The following is an entry in ClinVar:

ClinVar aggregate classification (germline): Benign. Review status: criteria provided, single submitter (1 of 4 stars). 2 submissions from 2 submitters: Benign (1). 1 of the submissions does not count toward it. Last evaluated 2019-08-10.

Conditions:
DEPDC5-related disorder. Also called: DEPDC5-related condition; DEPDC5-related related disorder.

Submissions (2):

GeneDx
Classification: Benign. Last evaluated: 2019-08-10. Review status: criteria provided, single submitter. Criteria: GeneDx Variant Classification Process June 2021. Collection method: clinical testing. Allele origin: germline. Affected: yes.

PreventionGenetics, part of Exact Sciences
Classification: Benign for DEPDC5-related condition. Last evaluated: 2019-08-14. Review status: no assertion criteria provided. Collection method: clinical testing. Allele origin: germline. Not counted in ClinVar's aggregate classification.
Comment: This variant is classified as benign based on ACMG/AMP sequence variant interpretation guidelines (Richards et al. 2015 PMID: 25741868, with internal and published modifications).

NM_001242896.3(DEPDC5):c.1666+194_1666+195del

Gene: DEPDC5 (DEP domain containing 5, GATOR1 subcomplex subunit; plus strand). Cytogenetic location: 22q12.3.
Variant type: Deletion.
Coding change: c.1666+194_1666+195del on transcript NM_001242896.3 (MANE Select); bases 194 to 195 of the intron after coding-DNA position 1666, 2 bases deleted (TT; older notation c.1666+194_1666+195delTT).
Molecular consequence: intron variant.
Genome position (GRCh38, 1-based): chr22:31,815,406-31,815,407, TT deleted; deleting any 2 consecutive bases within chr22:31,815,386-31,815,407 gives the same sequence; the c. name uses the placement nearest the transcript's 3' end. VCF-style (leftmost placement, unchanged base first): chr22-31815385-CTT-C. GRCh37 (hg19) VCF-style: chr22-32211371-CTT-C.
Other names: c.1666+194_1666+195del (NM_001364318.2, NM_001136029.4, NM_014662.6 and 6 more transcripts); c.1582+194_1582+195del (NM_001369902.1, NM_001369901.1); c.1667-10_1667-9del (NM_001007188.4); c.1667-10_1667-9delTT (NM_001007188.2).
Identifiers: ClinVar variation 1291325 (VCV001291325.4), dbSNP rs10712869, ClinGen allele CA10196425.